The following is an entry in ClinVar:

ClinVar aggregate classification (germline): Uncertain significance (1 of 4 stars; one submission).

Allele frequency attached by ClinVar (database versions not stated): ExAC 0.00002; gnomAD exomes 0.00004; TOPMed 0.00004; gnomAD 0.00005.
gnomAD v4.1: 65 of 1,612,364 alleles (0.004%); highest among the groups gnomAD compares: East Asian, 0.02%; no homozygotes.

Submission:

Labcorp Genetics (formerly Invitae), Labcorp
Classification: Uncertain significance. Last evaluated: 2024-01-15. Review status: criteria provided, single submitter. Criteria: Invitae Variant Classification Sherloc (09022015). Collection method: clinical testing. Allele origin: germline.
Comment: This sequence change replaces tyrosine, which is neutral and polar, with cysteine, which is neutral and slightly polar, at codon 8 of the POC5 protein (p.Tyr8Cys). This variant is present in population databases (rs201857837, gnomAD 0.01%). This variant has not been reported in the literature in individuals affected with POC5-related conditions. ClinVar contains an entry for this variant (Variation ID: 2420058). Algorithms developed to predict the effect of missense changes on protein structure and function output the following: SIFT: "Not Available"; PolyPhen-2: "Probably Damaging"; Align-GVGD: "Not Available". The cysteine amino acid residue is found in multiple mammalian species, which suggests that this missense change does not adversely affect protein function. In summary, the available evidence is currently insufficient to determine the role of this variant in disease. Therefore, it has been classified as a Variant of Uncertain Significance.

NM_001099271.2(POC5):c.23A>G (p.Tyr8Cys)

Gene: POC5 (POC5 centriolar protein; minus strand). Cytogenetic location: 5q13.3.
Variant type: single nucleotide variant.
Coding change: c.23A>G on transcript NM_001099271.2 (MANE Select); coding-DNA position 23, A replaced by G.
Protein change: p.Tyr8Cys; replaces tyrosine 8 with cysteine.
Molecular consequence: missense variant.
Genome position (GRCh38, 1-based): chr5:75,712,915, T>C on the plus strand (A>G on the coding strand, the complement: POC5 is on the minus strand). VCF-style: chr5-75712915-T-C. GRCh37 (hg19) VCF-style: chr5-75008740-T-C.
Other names: short protein forms Y8C.
Identifiers: ClinVar variation 2420058 (VCV002420058.6), dbSNP rs201857837, ClinGen allele CA3310707.